The following is an entry in ClinVar:

NM_177438.3(DICER1):c.86G>C (p.Gly29Ala)

Gene: DICER1 (dicer 1, ribonuclease III; minus strand). Cytogenetic location: 14q32.13.
Variant type: single nucleotide variant.
Coding change: c.86G>C on transcript NM_177438.3 (MANE Select); coding-DNA position 86, G replaced by C.
Protein change: p.Gly29Ala; replaces glycine 29 with alanine.
Molecular consequence: missense variant.
Genome position (GRCh38, 1-based): chr14:95,133,373, C>G on the plus strand (G>C on the coding strand, the complement: DICER1 is on the minus strand). VCF-style: chr14-95133373-C-G. GRCh37 (hg19) VCF-style: chr14-95599710-C-G.
Other names: c.86G>C, p.Gly29Ala (NM_001271282.3, NM_001291628.2, NM_001195573.1 and 1 more transcripts); short protein forms G29A.
Identifiers: ClinVar variation 1435493 (VCV001435493.9), dbSNP rs766491650, ClinGen allele CA7331748.

ClinVar aggregate classification (germline): Uncertain significance. Review status: criteria provided, multiple submitters, no conflicts (2 of 4 stars). 2 submissions from 2 submitters: Uncertain significance (2). Last evaluated 2022-01-28.

Conditions:
Hereditary cancer-predisposing syndrome. Also called: Neoplastic Syndromes, Hereditary; Hereditary Cancer Syndrome; Tumor predisposition; Hereditary neoplastic syndrome. Identifiers: Orphanet 140162, MedGen C0027672, MeSH D009386, MONDO:0015356.
DICER1-related tumor predisposition. Also called: DICER1-related pleuropulmonary blastoma cancer predisposition syndrome; DICER1 syndrome. Identifiers: Orphanet 284343, MedGen C3839822, MONDO:0100216.

Allele frequency attached by ClinVar (database versions not stated): gnomAD exomes below 0.00001; ExAC 0.00001; gnomAD 0.00001; TOPMed 0.00001.
gnomAD v4.1: 2 of 1,613,962 alleles (0.00012%); highest among the groups gnomAD compares: Non-Finnish European, 0.00017%; no homozygotes.

Submissions (2):

Ambry Genetics
Classification: Uncertain significance for Hereditary cancer-predisposing syndrome. Last evaluated: 2022-01-28. Review status: criteria provided, single submitter. Criteria: Ambry Variant Classification Scheme 2023. Collection method: clinical testing. Allele origin: germline.
Comment: The p.G29A variant (also known as c.86G>C), located in coding exon 1 of the DICER1 gene, results from a G to C substitution at nucleotide position 86. The glycine at codon 29 is replaced by alanine, an amino acid with similar properties. This amino acid position is conserved. In addition, the in silico prediction for this alteration is inconclusive. Since supporting evidence is limited at this time, the clinical significance of this alteration remains unclear.

Labcorp Genetics (formerly Invitae), Labcorp
Classification: Uncertain significance for DICER1-related tumor predisposition. Last evaluated: 2021-10-27. Review status: criteria provided, single submitter. Criteria: Invitae Variant Classification Sherloc (09022015). Collection method: clinical testing. Allele origin: germline.
Comment: In summary, the available evidence is currently insufficient to determine the role of this variant in disease. Therefore, it has been classified as a Variant of Uncertain Significance. Algorithms developed to predict the effect of missense changes on protein structure and function are either unavailable or do not agree on the potential impact of this missense change (SIFT: "Tolerated"; PolyPhen-2: "Probably Damaging"; Align-GVGD: "Class C0"). This variant has not been reported in the literature in individuals affected with DICER1-related conditions. This variant is present in population databases (rs766491650, gnomAD 0.0009%). This sequence change replaces glycine, a(n) neutral and non-polar amino acid, with alanine, a(n) neutral and non-polar amino acid, at codon 29 of the DICER1 protein (p.Gly29Ala).